The following is an entry in ClinVar:

ClinVar aggregate classification (germline): Benign (1 of 4 stars; one submission).

Conditions:
Mitochondrial DNA depletion syndrome, encephalomyopathic form with methylmalonic aciduria (MTDPS5). Also called: Mitochondrial encephalomyopathy aminoacidopathy; SUCLA2-Related Mitochondrial DNA Depletion Syndrome, Encephalomyopathic Form with Methylmalonic Aciduria; MITOCHONDRIAL DNA DEPLETION SYNDROME, ENCEPHALOMYOPATHIC FORM, WITH OR WITHOUT METHYLMALONIC ACIDURIA, AUTOSOMAL RECESSIVE, SUCLA2-RELATED; Mitochondrial DNA depletion syndrome 5 (encephalomyopathic with or without methylmalonic aciduria). Identifiers: Orphanet 1933, MedGen C5980207, MONDO:0012791, OMIM 612073.

Allele frequency attached by ClinVar (database versions not stated): 1000 Genomes Project 0.00419; 1000 Genomes Project 30x 0.00468; gnomAD 0.00596 and 0.00652; TOPMed 0.00637.

Submission:

Illumina Laboratory Services, Illumina
Classification: Benign for Mitochondrial DNA depletion syndrome, encephalomyopathic form with methylmalonic aciduria. Last evaluated: 2018-01-13. Review status: criteria provided, single submitter. Criteria: ICSL Variant Classification Criteria 13 December 2019. Collection method: clinical testing. Allele origin: germline.
Comment: This variant was observed in the ICSL laboratory as part of a predisposition screen in an ostensibly healthy population. It had not been previously curated by ICSL or reported in the Human Gene Mutation Database (HGMD: prior to June 1st, 2018), and was therefore a candidate for classification through an automated scoring system. Utilizing variant allele frequency, disease prevalence and penetrance estimates, and inheritance mode, an automated score was calculated to assess if this variant is too frequent to cause the disease. Based on the score and internal cut-off values, a variant classified as benign is not then subjected to further curation. The score for this variant resulted in a classification of benign for this disease.

NM_003850.3(SUCLA2):c.*581T>G

Gene: SUCLA2 (succinate-CoA ligase ADP-forming subunit beta; minus strand). Cytogenetic location: 13q14.2.
Variant type: single nucleotide variant.
Coding change: c.*581T>G on transcript NM_003850.3 (MANE Select); 581 bases downstream of the stop codon, T replaced by G.
Molecular consequence: 3 prime UTR variant.
Genome position (GRCh38, 1-based): chr13:47,942,790, A>C on the plus strand (T>G on the coding strand, the complement: SUCLA2 is on the minus strand). VCF-style: chr13-47942790-A-C. GRCh37 (hg19) VCF-style: chr13-48516925-A-C.
Identifiers: ClinVar variation 883329 (VCV000883329.4), dbSNP rs74615692, ClinGen allele CA249817198.